The following is an entry in ClinVar:

NM_001111125.3(IQSEC2):c.166C>G (p.Gln56Glu)

Gene: IQSEC2 (IQ motif and Sec7 domain ArfGEF 2; minus strand). Cytogenetic location: Xp11.22.
Variant type: single nucleotide variant.
Coding change: c.166C>G on transcript NM_001111125.3 (MANE Select); coding-DNA position 166, C replaced by G.
Protein change: p.Gln56Glu; replaces glutamine 56 with glutamic acid.
Molecular consequence: missense variant.
Genome position (GRCh38, 1-based): chrX:53,320,958, G>C on the plus strand (C>G on the coding strand, the complement: IQSEC2 is on the minus strand). VCF-style: chrX-53320958-G-C. GRCh37 (hg19) VCF-style: chrX-53350156-G-C.
Other names: c.166C>G, p.Gln56Glu (NM_001410736.1); short protein forms Q56E.
Identifiers: ClinVar variation 2630266 (VCV002630266.1), dbSNP rs2520607783, ClinGen allele CA413239962.
Genomic context (GRCh38, chrX:53,320,958, plus strand): 5'-GGTCCCGGTGCAGCTCCCCGCGGTGCAGCTGGCTCTCCTCTCGCAGGTCGCGGTTCTCCT[G>C]GGTGAGCTGGTCCAGCTGGCCCTCCAGCTCCTCGATGCGCCGCCGCTGGGTTTCCAGCAG-3'
Protein context (NP_001104595.1, residues 46-66): ELEGQLDQLT[Gln56Glu]ENRDLREESQ

ClinVar aggregate classification (germline): Uncertain significance (1 of 4 stars; one submission).

Conditions:
IQSEC2-related disorder. Also called: IQSEC2-related condition.

Submission:

PreventionGenetics, part of Exact Sciences
Classification: Uncertain significance for IQSEC2-related condition. Last evaluated: 2023-01-31. Review status: criteria provided, single submitter. Criteria: ACMG Guidelines, 2015. Collection method: clinical testing. Allele origin: germline.
Comment: The IQSEC2 c.166C>G variant is predicted to result in the amino acid substitution p.Gln56Glu. To our knowledge, this variant has not been reported in the literature or in a large population database, indicating this variant is rare. At this time, the clinical significance of this variant is uncertain due to the absence of conclusive functional and genetic evidence.